The following is an entry in ClinVar:

NM_021971.4(GMPPB):c.629T>C (p.Met210Thr)

Gene: GMPPB (GDP-mannose pyrophosphorylase B; minus strand). Cytogenetic location: 3p21.31.
Variant type: single nucleotide variant.
Coding change: c.629T>C on transcript NM_021971.4 (MANE Select); coding-DNA position 629, T replaced by C.
Protein change: p.Met210Thr; replaces methionine 210 with threonine.
Molecular consequence: missense variant.
Genome position (GRCh38, 1-based): chr3:49,722,443, A>G on the plus strand (T>C on the coding strand, the complement: GMPPB is on the minus strand). VCF-style: chr3-49722443-A-G. GRCh37 (hg19) VCF-style: chr3-49759876-A-G.
Other names: c.629T>C, p.Met210Thr (NM_013334.4); short protein forms M210T.
Identifiers: ClinVar variation 567490 (VCV000567490.6), dbSNP rs759137392, ClinGen allele CA2405497.

ClinVar aggregate classification (germline): Uncertain significance (1 of 4 stars; one submission).

Conditions:
Muscular dystrophy-dystroglycanopathy (congenital with brain and eye anomalies), type A14. Also called: Congenital Muscular Dystrophy-Dystroglycanopathy with Brain and Eye Anomalies Type A 14; Congenital muscular dystrophy-dystroglycanopathy with brain and eye anomalies, type A14; Muscular dystrophy-dystroglycanopathy (congenital with brain and eye anomalies), type a, 14; WALKER-WARBURG SYNDROME OR MUSCLE-EYE-BRAIN DISEASE, GMPPB-RELATED. Identifiers: Orphanet 588, MedGen C3809216, MONDO:0014140, OMIM 615350.
Muscular dystrophy-dystroglycanopathy (congenital with impaired intellectual development), type B, 14. Also called: Congenital muscular dystrophy-dystroglycanopathy with mental retardation, type B14; MUSCULAR DYSTROPHY, CONGENITAL, GMPPB-RELATED; Muscular dystrophy-dystroglycanopathy (congenital with intellectual disability), type B14. Identifiers: MedGen C3809221, MONDO:0014141, OMIM 615351.
Autosomal recessive limb-girdle muscular dystrophy type 2T. Also called: Limb-girdle muscular dystrophy-dystroglycanopathy, type C14; Muscular dystrophy-dystroglycanopathy (limb-girdle), type c, 14; MUSCULAR DYSTROPHY-DYSTROGLYCANOPATHY, LIMB-GIRDLE, GMPPB-RELATED; MUSCULAR DYSTROPHY, LIMB-GIRDLE, TYPE 2T. Identifiers: Orphanet 363623, MedGen C4518000, MONDO:0014142, OMIM 615352.

Allele frequency attached by ClinVar (database versions not stated): gnomAD 0.00001; gnomAD exomes 0.00002 and 0.00004; TOPMed below 0.00001; ExAC 0.00001.
gnomAD v4.1: 64 of 1,613,998 alleles (0.004%); highest among the groups gnomAD compares: Non-Finnish European, 0.0054%; no homozygotes.

Submission:

Labcorp Genetics (formerly Invitae), Labcorp
Classification: Uncertain significance for Autosomal recessive limb-girdle muscular dystrophy type 2T; Muscular dystrophy-dystroglycanopathy (congenital with brain and eye anomalies), type A14; Muscular dystrophy-dystroglycanopathy (congenital with impaired intellectual development), type B, 14. Last evaluated: 2022-06-20. Review status: criteria provided, single submitter. Criteria: Invitae Variant Classification Sherloc (09022015). Collection method: clinical testing. Allele origin: germline.
Comment: This sequence change replaces methionine, which is neutral and non-polar, with threonine, which is neutral and polar, at codon 210 of the GMPPB protein (p.Met210Thr). This variant is present in population databases (rs759137392, gnomAD 0.004%). This variant has not been reported in the literature in individuals affected with GMPPB-related conditions. ClinVar contains an entry for this variant (Variation ID: 567490). Advanced modeling of protein sequence and biophysical properties (such as structural, functional, and spatial information, amino acid conservation, physicochemical variation, residue mobility, and thermodynamic stability) performed at Invitae indicates that this missense variant is not expected to disrupt GMPPB protein function. In summary, the available evidence is currently insufficient to determine the role of this variant in disease. Therefore, it has been classified as a Variant of Uncertain Significance.